The following is an entry in ClinVar:

NM_007186.6(CEP250):c.7066-5A>G

Gene: CEP250 (centrosomal protein 250; plus strand). Cytogenetic location: 20q11.22.
Variant type: single nucleotide variant.
Coding change: c.7066-5A>G on transcript NM_007186.6 (MANE Select); 5 bases into the intron before coding-DNA position 7066, A replaced by G.
Molecular consequence: intron variant.
Genome position (GRCh38, 1-based): chr20:35,511,358, A>G. VCF-style: chr20-35511358-A-G. GRCh37 (hg19) VCF-style: chr20-34099187-A-G.
Other names: c.5170-5A>G (NM_001318219.1); c.7066-5A>G (NM_007186.5).
Identifiers: ClinVar variation 1149333 (VCV001149333.13), dbSNP rs373195359, ClinGen allele CA9834244.
Genomic context (GRCh38, chr20:35,511,358, plus strand): 5'-AAGAGCTGGGACAACTTCAGGGCCCTCAGCTGCTCTCGCTTTTTTTTTTTTTTCCTGCCC[A>G]CCAGGTGGTCCTGCTGCAAGCTCAGCTGACTTTGGAGCGGAAGCAGAAGCAGGACTACAT-3'

ClinVar aggregate classification (germline): Likely benign. Review status: criteria provided, multiple submitters, no conflicts (2 of 4 stars). 3 submissions from 3 submitters: Likely benign (2). 1 of the submissions does not count toward it. Last evaluated 2025-12-30.

Conditions:
CEP250-related disorder. Also called: CEP250-related condition.

Allele frequency attached by ClinVar (database versions not stated): gnomAD exomes 0.00002; ExAC 0.00007; ESP Exome Variant Server 0.00023; gnomAD 0.00026 and 0.00030; TOPMed 0.00028.
gnomAD v4.1: 72 of 1,547,212 alleles (0.0047%); highest among the groups gnomAD compares: African/African-American, 0.094%; no homozygotes.

Submissions (3):

Labcorp Genetics (formerly Invitae), Labcorp
Classification: Likely benign. Last evaluated: 2025-12-30. Review status: criteria provided, single submitter. Criteria: Invitae Variant Classification Sherloc (09022015). Collection method: clinical testing. Allele origin: germline.

Blueprint Genetics
Classification: Likely benign. Last evaluated: 2024-02-23. Review status: criteria provided, single submitter. Criteria: ACMG Guidelines, 2015. Collection method: clinical testing. Allele origin: germline.

PreventionGenetics, part of Exact Sciences
Classification: Likely benign for CEP250-related condition. Last evaluated: 2019-07-03. Review status: no assertion criteria provided. Collection method: clinical testing. Allele origin: germline. Not counted in ClinVar's aggregate classification.
Comment: This variant is classified as likely benign based on ACMG/AMP sequence variant interpretation guidelines (Richards et al. 2015 PMID: 25741868, with internal and published modifications).